The following is an entry in ClinVar:

ClinVar aggregate classification (germline): Uncertain significance. Review status: criteria provided, multiple submitters, no conflicts (2 of 4 stars). 4 submissions from 4 submitters: Uncertain significance (4). Last evaluated 2024-10-07.

Conditions:
Hereditary cancer-predisposing syndrome. Also called: Hereditary Cancer Syndrome; Hereditary neoplastic syndrome; Tumor predisposition; Neoplastic Syndromes, Hereditary. Identifiers: Orphanet 140162, MedGen C0027672, MeSH D009386, MONDO:0015356.
Colorectal cancer. Also called: Colorectal cancer, somatic; Malignant Colorectal Neoplasm. Identifiers: MedGen C0346629, MONDO:0005575, OMIM 114500.
Oligodontia-cancer predisposition syndrome. Also called: TOOTH AGENESIS-COLORECTAL CANCER SYNDROME. Identifiers: Orphanet 300576, MedGen C1837750, MONDO:0012075, OMIM 608615. Disease mechanism: loss of function.

Allele frequency attached by ClinVar (database versions not stated): gnomAD exomes below 0.00001.
gnomAD v4.1: 1 of 1,613,570 alleles (0.000062%); highest among the groups gnomAD compares: Non-Finnish European, 0.000085%; no homozygotes.

Submissions (4):

Molecular Pathology, Peter Maccallum Cancer Centre
Classification: Uncertain significance for Oligodontia-cancer predisposition syndrome. Last evaluated: 2024-10-07. Review status: criteria provided, single submitter. Criteria: ACMG Guidelines, 2015. Collection method: clinical testing. Allele origin: germline. Inheritance: Autosomal dominant inheritance.

Ambry Genetics
Classification: Uncertain significance for Hereditary cancer-predisposing syndrome. Last evaluated: 2023-10-24. Review status: criteria provided, single submitter. Criteria: Ambry Variant Classification Scheme 2023. Collection method: clinical testing. Allele origin: germline.
Comment: The p.E625A variant (also known as c.1874A>C), located in coding exon 6 of the AXIN2 gene, results from an A to C substitution at nucleotide position 1874. The glutamic acid at codon 625 is replaced by alanine, an amino acid with dissimilar properties. This amino acid position is conserved. In addition, this alteration is predicted to be deleterious by in silico analysis. Since supporting evidence is limited at this time, the clinical significance of this alteration remains unclear.

Baylor Genetics
Classification: Uncertain significance for Colorectal cancer. Last evaluated: 2023-10-22. Review status: criteria provided, single submitter. Criteria: ACMG Guidelines, 2015. Collection method: clinical testing. Allele origin: unknown.

Labcorp Genetics (formerly Invitae), Labcorp
Classification: Uncertain significance for Oligodontia-cancer predisposition syndrome. Last evaluated: 2020-12-10. Review status: criteria provided, single submitter. Criteria: Invitae Variant Classification Sherloc (09022015). Collection method: clinical testing. Allele origin: germline.
Comment: This sequence change replaces glutamic acid with alanine at codon 625 of the AXIN2 protein (p.Glu625Ala). The glutamic acid residue is highly conserved and there is a moderate physicochemical difference between glutamic acid and alanine. This variant is not present in population databases (ExAC no frequency). This variant has not been reported in the literature in individuals with AXIN2-related conditions. Algorithms developed to predict the effect of missense changes on protein structure and function are either unavailable or do not agree on the potential impact of this missense change (SIFT: "Tolerated"; PolyPhen-2: "Probably Damaging"; Align-GVGD: "Class C0"). In summary, the available evidence is currently insufficient to determine the role of this variant in disease. Therefore, it has been classified as a Variant of Uncertain Significance.

NM_004655.4(AXIN2):c.1874A>C (p.Glu625Ala)

Gene: AXIN2 (axin 2; minus strand). Cytogenetic location: 17q24.1.
Variant type: single nucleotide variant.
Coding change: c.1874A>C on transcript NM_004655.4 (MANE Select); coding-DNA position 1874, A replaced by C.
Protein change: p.Glu625Ala; replaces glutamic acid 625 with alanine.
Molecular consequence: missense variant. On other transcripts: intron variant (1).
Genome position (GRCh38, 1-based): chr17:65,536,902, T>G on the plus strand (A>C on the coding strand, the complement: AXIN2 is on the minus strand). VCF-style: chr17-65536902-T-G. GRCh37 (hg19) VCF-style: chr17-63533020-T-G.
Other names: c.1713-349A>C (NM_001363813.1); c.1874A>C (NM_004655.3); short protein forms E625A.
Identifiers: ClinVar variation 1396722 (VCV001396722.11), dbSNP rs1460236827, ClinGen allele CA400676440.